The following is an entry in ClinVar:

NM_002047.4(GARS1):c.1738G>C (p.Gly580Arg)

Gene: GARS1 (glycyl-tRNA synthetase 1; plus strand). Cytogenetic location: 7p14.3.
Variant type: single nucleotide variant.
Coding change: c.1738G>C on transcript NM_002047.4 (MANE Select); coding-DNA position 1738, G replaced by C.
Protein change: p.Gly580Arg; replaces glycine 580 with arginine.
Molecular consequence: missense variant.
Genome position (GRCh38, 1-based): chr7:30,628,598, G>C. VCF-style: chr7-30628598-G-C. GRCh37 (hg19) VCF-style: chr7-30668214-G-C.
Other names: c.1738G>C (NM_002047.2); c.1576G>C, p.Gly526Arg (NM_001316772.1); short protein forms G526R, G580R.
Identifiers: ClinVar variation 9207 (VCV000009207.19), dbSNP rs137852646, ClinGen allele CA254710.

ClinVar aggregate classification (germline): Pathogenic. Review status: criteria provided, single submitter (1 of 4 stars). 5 submissions from 5 submitters: Pathogenic (1). 4 of the submissions do not count toward it. Last evaluated 2021-05-13.

Conditions:
Distal spinal muscular atrophy. Also called: Distal hereditary motor neuronopathy; Distal hereditary motor neuropathy. Identifiers: Orphanet 53739, MedGen C0393541, MONDO:0018894.
Charcot-Marie-Tooth disease type 2. Also called: Charcot-Marie-Tooth type 2. Identifiers: Orphanet 64746, MedGen C0270914, MONDO:0018993.
Charcot-Marie-Tooth disease type 2D (CMT2D). Also called: CHARCOT-MARIE-TOOTH DISEASE, AXONAL, TYPE 2D; CHARCOT-MARIE-TOOTH DISEASE, NEURONAL, TYPE 2D; Charcot-Marie-Tooth Neuropathy Type 2D; GARS1 Adolescent- or Early Adult-Onset Hereditary Motor/Sensory Neuropathy (GARS1-HMSN). Identifiers: Orphanet 99938, MedGen C1832274, MONDO:0011091, OMIM 601472.
Neuronopathy, distal hereditary motor, type 5A (HMND5). Also called: DHMN VA; Distal Spinal Muscular Atrophy V (dSMA-V); NEURONOPATHY, DISTAL HEREDITARY MOTOR, AUTOSOMAL DOMINANT 5; Distal Spinal Muscular Atrophy V. Identifiers: Orphanet 139536, MedGen CN031873, MONDO:0015353, OMIM 600794.

Submissions (5):

Labcorp Genetics (formerly Invitae), Labcorp
Classification: Pathogenic for Charcot-Marie-Tooth disease type 2. Last evaluated: 2021-05-13. Review status: criteria provided, single submitter. Criteria: Invitae Variant Classification Sherloc (09022015). Collection method: clinical testing. Allele origin: germline.
Comment: For these reasons, this variant has been classified as Pathogenic. Experimental studies have shown that this variant affects GARS protein function (PMID: 17545306, 17595294, 27008886). This variant has been observed in individual(s) with distal hereditary motor neuropathy (PMID: 12690580, 16769947). It has also been observed to segregate with disease in related individuals. This variant is also known as G526R in the literature. ClinVar contains an entry for this variant (Variation ID: 9207). This variant is not present in population databases (ExAC no frequency). This sequence change replaces glycine with arginine at codon 580 of the GARS protein (p.Gly580Arg). The glycine residue is highly conserved and there is a moderate physicochemical difference between glycine and arginine.

Inherited Neuropathy Consortium Ii, University Of Miami
Classification: Uncertain significance for Charcot-Marie-Tooth disease type 2D. Last evaluated: 2016-01-06. Review status: no assertion criteria provided. Collection method: literature only. Allele origin: germline. Affected: yes. Not counted in ClinVar's aggregate classification.

OMIM
Classification: Pathogenic for NEURONOPATHY, DISTAL HEREDITARY MOTOR, AUTOSOMAL DOMINANT 5. Last evaluated: 2006-06-13. Review status: no assertion criteria provided. Collection method: literature only. Allele origin: germline. Not counted in ClinVar's aggregate classification.

GeneReviews
No classification provided. Condition: Charcot-Marie-Tooth disease type 2D. Review status: no classification provided. Collection method: literature only. Allele origin: germline. Not counted in ClinVar's aggregate classification.
Comment: GARS1-HMSN (CMT2D) [Antonellis et al 2003, Dubourg et al 2006]

Inherited Neuropathy Consortium
Classification: Uncertain significance for Distal spinal muscular atrophy. Review status: no assertion criteria provided. Collection method: literature only. Allele origin: germline. Affected: yes. Not counted in ClinVar's aggregate classification.

Literature cited by the submitters: PubMed 17545306 (cited by Labcorp Genetics (formerly Invitae), Labcorp); PubMed 17595294 (cited by Labcorp Genetics (formerly Invitae), Labcorp); PubMed 27008886 (cited by Labcorp Genetics (formerly Invitae), Labcorp); PubMed 12690580 (cited by 4 submitters); PubMed 16769947 (cited by 4 submitters); PubMed 20301420 (cited by GeneReviews).